The following is an entry in ClinVar:

NM_003072.5(SMARCA4):c.2682G>A (p.Thr894=)

Gene: SMARCA4 (SWI/SNF related BAF chromatin remodeling complex subunit ATPase 4; plus strand). Cytogenetic location: 19p13.2.
Variant type: single nucleotide variant.
Coding change: c.2682G>A on transcript NM_003072.5 (MANE Select); coding-DNA position 2682, G replaced by A.
Protein change: p.Thr894=; no amino-acid change (threonine 894 retained).
Molecular consequence: synonymous variant. On other transcripts: non-coding transcript variant (1).
Genome position (GRCh38, 1-based): chr19:11,021,790, G>A. VCF-style: chr19-11021790-G-A. GRCh37 (hg19) VCF-style: chr19-11132466-G-A.
Other names: c.2682G>A, p.Thr894= (NM_001128844.3, NM_001128845.2, NM_001128846.2 and 5 more transcripts).
Identifiers: ClinVar variation 470317 (VCV000470317.18), dbSNP rs1300802922, ClinGen allele CA505743546.
Genomic context (GRCh38, chr19:11,021,790, plus strand): 5'-TTGGAAGTACATGATTGTGGACGAAGGTCACCGCATGAAGAACCACCACTGCAAGCTGAC[G>A]CAGGTGCTCAACACGCACTATGTGGCACCCCGCCGCCTGCTGCTGACGGGCACACCGCTG-3'
Protein context (NP_003063.2, residues 884-904): HRMKNHHCKL[Thr894=]QVLNTHYVAP

ClinVar aggregate classification (germline): Benign/Likely benign. Review status: criteria provided, multiple submitters, no conflicts (2 of 4 stars). 4 submissions from 4 submitters: Benign (1); Likely benign (3). Last evaluated 2026-07-13.

Conditions:
Rhabdoid tumor predisposition syndrome 2 (RTPS2). Identifiers: Orphanet 231108, Orphanet 69077, MedGen C2750074, MONDO:0013224, OMIM 613325.
Hereditary cancer-predisposing syndrome. Also called: Hereditary Cancer Syndrome; Hereditary neoplastic syndrome; Neoplastic Syndromes, Hereditary; Tumor predisposition. Identifiers: Orphanet 140162, MedGen C0027672, MeSH D009386, MONDO:0015356.

Allele frequency attached by ClinVar (database versions not stated): TOPMed below 0.00001; gnomAD exomes below 0.00001 and 0.00001.
gnomAD v4.1: 8 of 1,613,760 alleles (0.0005%); highest among the groups gnomAD compares: East Asian, 0.0045%; no homozygotes.

Submissions (4):

Myriad Genetics, Inc.
Classification: Benign for Rhabdoid tumor predisposition syndrome 2. Last evaluated: 2026-07-13. Review status: criteria provided, single submitter. Criteria: Myriad Autosomal Dominant, Autosomal Recessive and X-Linked Classification Criteria (2023). Collection method: clinical testing. Allele origin: unknown.
Comment: This variant is considered benign. This variant is a silent/synonymous amino acid change and it is not expected to impact splicing.

Labcorp Genetics (formerly Invitae), Labcorp
Classification: Likely benign for Rhabdoid tumor predisposition syndrome 2. Last evaluated: 2024-11-27. Review status: criteria provided, single submitter. Criteria: Invitae Variant Classification Sherloc (09022015). Collection method: clinical testing. Allele origin: germline.

Sema4
Classification: Likely benign for Hereditary cancer-predisposing syndrome. Last evaluated: 2021-08-10. Review status: criteria provided, single submitter. Criteria: Sema4 Curation Guidelines. Collection method: curation. Allele origin: germline.

Ambry Genetics
Classification: Likely benign for Hereditary cancer-predisposing syndrome. Last evaluated: 2016-01-08. Review status: criteria provided, single submitter. Criteria: Ambry Variant Classification Scheme 2023. Collection method: clinical testing. Allele origin: germline.